The following is an entry in ClinVar:

ClinVar aggregate classification (germline): Uncertain significance. Review status: criteria provided, multiple submitters, no conflicts (2 of 4 stars). 2 submissions from 2 submitters: Uncertain significance (2). Last evaluated 2021-10-23.

Conditions:
Retinitis pigmentosa 71 (RP71). Identifiers: Orphanet 791, MedGen C4225342, MONDO:0014618, OMIM 616394.
Short-rib thoracic dysplasia 10 with or without polydactyly (SRTD10). Identifiers: Orphanet 474, MedGen C3810175, MONDO:0014284, OMIM 615630.

gnomAD v4.1: 23 of 1,614,052 alleles (0.0014%); highest among the groups gnomAD compares: Non-Finnish European, 0.0019%; no homozygotes.

Submissions (2):

Labcorp Genetics (formerly Invitae), Labcorp
Classification: Uncertain significance for Retinitis pigmentosa 71; Short-rib thoracic dysplasia 10 with or without polydactyly. Last evaluated: 2021-10-23. Review status: criteria provided, single submitter. Criteria: Invitae Variant Classification Sherloc (09022015). Collection method: clinical testing. Allele origin: germline.
Comment: In summary, the available evidence is currently insufficient to determine the role of this variant in disease. Therefore, it has been classified as a Variant of Uncertain Significance. Algorithms developed to predict the effect of missense changes on protein structure and function are either unavailable or do not agree on the potential impact of this missense change (SIFT: "Deleterious"; PolyPhen-2: "Benign"; Align-GVGD: "Class C0"). This variant has not been reported in the literature in individuals affected with IFT172-related conditions. This variant is not present in population databases (gnomAD no frequency). This sequence change replaces tyrosine, which is neutral and polar, with serine, which is neutral and polar, at codon 812 of the IFT172 protein (p.Tyr812Ser).

Blueprint Genetics
Classification: Uncertain significance. Last evaluated: 2021-10-12. Review status: criteria provided, single submitter. Criteria: ACMG Guidelines, 2015. Collection method: clinical testing. Allele origin: germline.

NM_015662.3(IFT172):c.2435A>C (p.Tyr812Ser)

Gene: IFT172 (intraflagellar transport 172; minus strand). Cytogenetic location: 2p23.3.
Variant type: single nucleotide variant.
Coding change: c.2435A>C on transcript NM_015662.3 (MANE Select); coding-DNA position 2435, A replaced by C.
Protein change: p.Tyr812Ser; replaces tyrosine 812 with serine.
Molecular consequence: missense variant.
Genome position (GRCh38, 1-based): chr2:27,461,276, T>G on the plus strand (A>C on the coding strand, the complement: IFT172 is on the minus strand). VCF-style: chr2-27461276-T-G. GRCh37 (hg19) VCF-style: chr2-27684143-T-G.
Other names: short protein forms Y812S.
Identifiers: ClinVar variation 1514330 (VCV001514330.7), dbSNP rs2148506110, ClinGen allele CA346383893.